The following is an entry in ClinVar:

NM_006136.3(CAPZA2):c.2T>C (p.Met1Thr)

Gene: CAPZA2 (capping actin protein of muscle Z-line subunit alpha 2; plus strand). Cytogenetic location: 7q31.2.
Variant type: single nucleotide variant.
Coding change: c.2T>C on transcript NM_006136.3 (MANE Select); coding-DNA position 2, T replaced by C.
Protein change: p.Met1Thr; changes the start codon (methionine 1).
Molecular consequence: missense variant, initiator codon variant.
Genome position (GRCh38, 1-based): chr7:116,862,613, T>C. VCF-style: chr7-116862613-T-C. GRCh37 (hg19) VCF-style: chr7-116502667-T-C.
Other names: short protein forms M1T.
Identifiers: ClinVar variation 3392747 (VCV003392747.1).

ClinVar aggregate classification (germline): Uncertain significance (1 of 4 stars; one submission).

Submission:

GeneDx
Classification: Uncertain significance. Last evaluated: 2024-06-24. Review status: criteria provided, single submitter. Criteria: GeneDx Variant Classification Process June 2021. Collection method: clinical testing. Allele origin: germline. Affected: yes.
Comment: Not observed at significant frequency in large population cohorts (gnomAD); Initiation codon variant in a gene for which loss-of-function is not an established mechanism of disease; Has not been previously published as pathogenic or benign to our knowledge